The following is an entry in ClinVar:

NM_022915.5(MRPL44):c.505G>T (p.Val169Leu)

Gene: MRPL44 (mitochondrial ribosomal protein L44; plus strand). Cytogenetic location: 2q36.1.
Variant type: single nucleotide variant.
Coding change: c.505G>T on transcript NM_022915.5 (MANE Select); coding-DNA position 505, G replaced by T.
Protein change: p.Val169Leu; replaces valine 169 with leucine.
Molecular consequence: missense variant.
Genome position (GRCh38, 1-based): chr2:223,959,859, G>T. VCF-style: chr2-223959859-G-T. GRCh37 (hg19) VCF-style: chr2-224824576-G-T.
Other names: short protein forms V169L.
Identifiers: ClinVar variation 446074 (VCV000446074.4), dbSNP rs754983787, ClinGen allele CA2139060.

ClinVar aggregate classification (germline): Uncertain significance. Review status: criteria provided, multiple submitters, no conflicts (2 of 4 stars). 2 submissions from 2 submitters: Uncertain significance (2). Last evaluated 2022-08-16.

Allele frequency attached by ClinVar (database versions not stated): TOPMed 0.00003; gnomAD 0.00006.
gnomAD v4.1: 91 of 1,614,036 alleles (0.0056%); highest among the groups gnomAD compares: Admixed American, 0.0083%; no homozygotes.

Submissions (2):

Labcorp Genetics (formerly Invitae), Labcorp
Classification: Uncertain significance. Last evaluated: 2022-08-16. Review status: criteria provided, single submitter. Criteria: Invitae Variant Classification Sherloc (09022015). Collection method: clinical testing. Allele origin: germline.
Comment: This sequence change replaces valine, which is neutral and non-polar, with leucine, which is neutral and non-polar, at codon 169 of the MRPL44 protein (p.Val169Leu). This variant is present in population databases (rs754983787, gnomAD 0.01%). This variant has not been reported in the literature in individuals affected with MRPL44-related conditions. ClinVar contains an entry for this variant (Variation ID: 446074). Algorithms developed to predict the effect of missense changes on protein structure and function are either unavailable or do not agree on the potential impact of this missense change (SIFT: "Deleterious"; PolyPhen-2: "Benign"; Align-GVGD: "Class C0"). In summary, the available evidence is currently insufficient to determine the role of this variant in disease. Therefore, it has been classified as a Variant of Uncertain Significance.

Center for Pediatric Genomic Medicine, Children's Mercy Hospital and Clinics
Classification: Uncertain significance. Last evaluated: 2017-05-12. Review status: criteria provided, single submitter. Criteria: ACMG Guidelines, 2015. Collection method: clinical testing. Allele origin: germline.